The following is an entry in ClinVar:

ClinVar aggregate classification (germline): Uncertain significance (1 of 4 stars; one submission).

Conditions:
Familial adenomatous polyposis 1 (FAP1). Also called: FAMILIAL ADENOMATOUS POLYPOSIS 1, ATTENUATED; POLYPOSIS, ADENOMATOUS INTESTINAL. Identifiers: MedGen C2713442, MONDO:0021056, OMIM 175100. Disease mechanism: loss of function.

Submission:

Labcorp Genetics (formerly Invitae), Labcorp
Classification: Uncertain significance for Familial adenomatous polyposis 1. Last evaluated: 2025-07-25. Review status: criteria provided, single submitter. Criteria: Invitae Variant Classification Sherloc (09022015). Collection method: clinical testing. Allele origin: germline.
Comment: This sequence change replaces isoleucine, which is neutral and non-polar, with phenylalanine, which is neutral and non-polar, at codon 1723 of the APC protein (p.Ile1723Phe). This variant is not present in population databases (gnomAD no frequency). This variant has not been reported in the literature in individuals affected with APC-related conditions. Invitae Evidence Modeling of protein sequence and biophysical properties (such as structural, functional, and spatial information, amino acid conservation, physicochemical variation, residue mobility, and thermodynamic stability) indicates that this missense variant is not expected to disrupt APC protein function with a negative predictive value of 95%. In summary, the available evidence is currently insufficient to determine the role of this variant in disease. Therefore, it has been classified as a Variant of Uncertain Significance.

NM_000038.6(APC):c.5167A>T (p.Ile1723Phe)

Gene: APC (APC regulator of Wnt signaling pathway; plus strand). Cytogenetic location: 5q22.2.
Variant type: single nucleotide variant.
Coding change: c.5167A>T on transcript NM_000038.6 (MANE Select); coding-DNA position 5167, A replaced by T.
Protein change: p.Ile1723Phe; replaces isoleucine 1723 with phenylalanine.
Molecular consequence: missense variant. On other transcripts: non-coding transcript variant (2).
Genome position (GRCh38, 1-based): chr5:112,840,761, A>T. VCF-style: chr5-112840761-A-T. GRCh37 (hg19) VCF-style: chr5-112176458-A-T.
Other names: c.5167A>T, p.Ile1723Phe (NM_001127510.3, NM_001354895.2, NM_001407450.1); c.5113A>T, p.Ile1705Phe (NM_001127511.3); c.5221A>T, p.Ile1741Phe (NM_001354896.2, NM_001407447.1, NM_001407448.1 and 1 more transcripts); c.5197A>T, p.Ile1733Phe (NM_001354897.2); c.5092A>T, p.Ile1698Phe (NM_001354898.2); c.5083A>T, p.Ile1695Phe (NM_001354899.2); c.5044A>T, p.Ile1682Phe (NM_001354900.2); c.4990A>T, p.Ile1664Phe (NM_001354901.2, NM_001407453.1); and 11 more; short protein forms I1339F, I1716F, I1723F, I1733F, I1741F, I1597F, I1632F, I1664F.
Identifiers: ClinVar variation 4762797 (VCV004762797.1).